The following is an entry in ClinVar:

NM_203447.4(DOCK8):c.1343G>A (p.Arg448Lys)

Gene: DOCK8 (dedicator of cytokinesis 8; plus strand). Cytogenetic location: 9p24.3.
Variant type: single nucleotide variant.
Coding change: c.1343G>A on transcript NM_203447.4 (MANE Select); coding-DNA position 1343, G replaced by A.
Protein change: p.Arg448Lys; replaces arginine 448 with lysine.
Molecular consequence: missense variant.
Genome position (GRCh38, 1-based): chr9:336,639, G>A. VCF-style: chr9-336639-G-A. GRCh37 (hg19) VCF-style: chr9-336639-G-A.
Other names: c.1139G>A, p.Arg380Lys (NM_001190458.2, NM_001193536.2); short protein forms R380K, R448K.
Identifiers: ClinVar variation 958338 (VCV000958338.11), dbSNP rs368164879, ClinGen allele CA4957698.

ClinVar aggregate classification (germline): Uncertain significance. Review status: criteria provided, multiple submitters, no conflicts (2 of 4 stars). 2 submissions from 2 submitters: Uncertain significance (2). Last evaluated 2025-01-20.

Conditions:
Combined immunodeficiency due to DOCK8 deficiency (HIES2). Also called: HIES autosomal recessive; DOCK8 Deficiency; Hyper-IgE recurrent infection syndrome, autosomal recessive; HYPER-IgE RECURRENT INFECTION SYNDROME 2, AUTOSOMAL RECESSIVE; HYPER-IgE SYNDROME 2, AUTOSOMAL RECESSIVE, WITH RECURRENT INFECTIONS. Identifiers: Orphanet 217390, MedGen C4722305, MONDO:0009478, OMIM 243700.

Allele frequency attached by ClinVar (database versions not stated): ExAC 0.00001; gnomAD exomes 0.00001; gnomAD 0.00005; TOPMed 0.00005; ESP Exome Variant Server 0.00008.
gnomAD v4.1: 21 of 1,614,036 alleles (0.0013%); highest among the groups gnomAD compares: African/African-American, 0.008%; no homozygotes.

Submissions (2):

Labcorp Genetics (formerly Invitae), Labcorp
Classification: Uncertain significance for Combined immunodeficiency due to DOCK8 deficiency. Last evaluated: 2025-01-20. Review status: criteria provided, single submitter. Criteria: Invitae Variant Classification Sherloc (09022015). Collection method: clinical testing. Allele origin: germline.
Comment: This sequence change replaces arginine, which is basic and polar, with lysine, which is basic and polar, at codon 448 of the DOCK8 protein (p.Arg448Lys). This variant is present in population databases (rs368164879, gnomAD 0.02%). This variant has not been reported in the literature in individuals affected with DOCK8-related conditions. ClinVar contains an entry for this variant (Variation ID: 958338). Invitae Evidence Modeling of protein sequence and biophysical properties (such as structural, functional, and spatial information, amino acid conservation, physicochemical variation, residue mobility, and thermodynamic stability) indicates that this missense variant is not expected to disrupt DOCK8 protein function with a negative predictive value of 80%. In summary, the available evidence is currently insufficient to determine the role of this variant in disease. Therefore, it has been classified as a Variant of Uncertain Significance.

Baylor Genetics
Classification: Uncertain significance for Combined immunodeficiency due to DOCK8 deficiency. Last evaluated: 2018-08-27. Review status: criteria provided, single submitter. Criteria: ACMG Guidelines, 2015. Collection method: clinical testing. Allele origin: paternal. Affected: yes.
Comment: This variant was determined to be of uncertain significance according to ACMG Guidelines, 2015 [PMID:25741868].